The following is an entry in ClinVar:

NM_004168.4(SDHA):c.991_992delinsAA (p.Ala331Asn)

Gene: SDHA (succinate dehydrogenase complex flavoprotein subunit A; plus strand). Cytogenetic location: 5p15.33.
Variant type: Indel.
Coding change: c.991_992delinsAA on transcript NM_004168.4 (MANE Select); coding-DNA positions 991 to 992, GC replaced by AA.
Protein change: p.Ala331Asn; replaces alanine 331 with asparagine.
Molecular consequence: missense variant.
Genome position (GRCh38, 1-based): chr5:233,572-233,573, GC replaced by AA. VCF-style: chr5-233572-GC-AA. GRCh37 (hg19) VCF-style: chr5-233687-GC-AA.
Other names: c.847_848delinsAA, p.Ala283Asn (NM_001294332.2); c.991_992delinsAA, p.Ala331Asn (NM_001330758.2); short protein forms A283N, A331N.
Identifiers: ClinVar variation 2012592 (VCV002012592.4), dbSNP rs2477349651, ClinGen allele CA2580073106.

ClinVar aggregate classification (germline): Uncertain significance (1 of 4 stars; one submission).

Conditions:
Pheochromocytoma/paraganglioma syndrome 5. Also called: Paragangliomas 5; SDHA-Related Hereditary Paraganglioma-Pheochromocytoma Syndrome. Identifiers: Orphanet 29072, MedGen C3279992, MONDO:0013602, OMIM 614165.
Mitochondrial complex II deficiency, nuclear type 1. Also called: SUCCINATE CoQ REDUCTASE DEFICIENCY. Identifiers: Orphanet 3208, MedGen C5700310, MONDO:0100294, OMIM 252011.

Submission:

Labcorp Genetics (formerly Invitae), Labcorp
Classification: Uncertain significance for Pheochromocytoma/paraganglioma syndrome 5; Mitochondrial complex II deficiency, nuclear type 1. Last evaluated: 2022-06-30. Review status: criteria provided, single submitter. Criteria: Invitae Variant Classification Sherloc (09022015). Collection method: clinical testing. Allele origin: germline.
Comment: In summary, the available evidence is currently insufficient to determine the role of this variant in disease. Therefore, it has been classified as a Variant of Uncertain Significance. Algorithms developed to predict the effect of missense changes on protein structure and function are either unavailable or do not agree on the potential impact of this missense change (SIFT: "Not Available"; PolyPhen-2: "Probably Damaging"; Align-GVGD: "Not Available"). This variant has not been reported in the literature in individuals affected with SDHA-related conditions. Information on the frequency of this variant in the gnomAD database is not available, as this variant may be reported differently in the database. This sequence change replaces alanine, which is neutral and non-polar, with asparagine, which is neutral and polar, at codon 331 of the SDHA protein (p.Ala331Asn).